The following is an entry in ClinVar:

NM_001844.5(COL2A1):c.625C>T (p.Arg209Ter)

Gene: COL2A1 (collagen type II alpha 1 chain; minus strand). Cytogenetic location: 12q13.11.
Variant type: single nucleotide variant.
Coding change: c.625C>T on transcript NM_001844.5 (MANE Select); coding-DNA position 625, C replaced by T.
Protein change: p.Arg209Ter; replaces arginine 209 with a stop codon.
Molecular consequence: nonsense.
Genome position (GRCh38, 1-based): chr12:47,995,904, G>A on the plus strand (C>T on the coding strand, the complement: COL2A1 is on the minus strand). VCF-style: chr12-47995904-G-A. GRCh37 (hg19) VCF-style: chr12-48389687-G-A.
Other names: R9*; c.418C>T, p.Arg140Ter (NM_033150.3); short protein forms R140*, R209*.
Identifiers: ClinVar variation 17360 (VCV000017360.12), dbSNP rs121912869, ClinGen allele CA281742.
Genomic context (GRCh38, chr12:47,995,904, plus strand): 5'-GATGGAGGCAAAAAGAATTGCAGATACTTACAGGAGCACCTGCAGGGCCTGGAGGTCCTC[G>A]AGGTCCCATGGGGCCCTGCATCGGAACAGAAAATGAGGGGTTTACTACACATGCTTCCTC-3'

ClinVar aggregate classification (germline): Pathogenic. Review status: criteria provided, multiple submitters, no conflicts (2 of 4 stars). 4 submissions from 4 submitters: Pathogenic (3). 1 of the submissions does not count toward it. Last evaluated 2026-10-27.

Conditions:
Stickler syndrome type 1 (STL1). Also called: STICKLER SYNDROME, MEMBRANOUS VITREOUS TYPE; STICKLER SYNDROME, VITREOUS TYPE 1; ARTHROOPHTHALMOPATHY, HEREDITARY PROGRESSIVE; COL2A1-Related Stickler Syndrome. Identifiers: Orphanet 828, Orphanet 90653, MedGen C2020284, MONDO:0007160, OMIM 108300.

Allele frequency attached by ClinVar (database versions not stated): gnomAD exomes below 0.00001.

Submissions (4):

Institute of Medical Genetics and Applied Genomics, University Hospital Tübingen
Classification: Pathogenic for Stickler syndrome type 1. Last evaluated: 2026-10-27. Review status: criteria provided, single submitter. Criteria: ACMG Guidelines, 2015. Collection method: clinical testing. Allele origin: germline. Inheritance: Autosomal dominant inheritance. Affected: yes.

Labcorp Genetics (formerly Invitae), Labcorp
Classification: Pathogenic. Last evaluated: 2025-11-04. Review status: criteria provided, single submitter. Criteria: Invitae Variant Classification Sherloc (09022015). Collection method: clinical testing. Allele origin: germline.
Comment: This sequence change creates a premature translational stop signal (p.Arg209*) in the COL2A1 gene. It is expected to result in an absent or disrupted protein product. Loss-of-function variants in COL2A1 are known to be pathogenic (PMID: 20179744). This variant is not present in population databases (gnomAD no frequency). This premature translational stop signal has been observed in individual(s) with clinical features of Stickler syndrome (PMID: 8434604). This variant is also known as p.Arg9X. ClinVar contains an entry for this variant (Variation ID: 17360). For these reasons, this variant has been classified as Pathogenic.

GeneDx
Classification: Pathogenic. Last evaluated: 2024-11-07. Review status: criteria provided, single submitter. Criteria: GeneDx Variant Classification Process June 2021. Collection method: clinical testing. Allele origin: germline. Affected: yes.
Comment: Nonsense variant predicted to result in protein truncation or nonsense mediated decay in a gene for which loss of function is a known mechanism of disease; Not observed at significant frequency in large population cohorts (gnomAD); This variant is associated with the following publications: (PMID: 34680973, 25525159, 20179744, 15895462, 26443184, 8434604)

OMIM
Classification: Pathogenic for STICKLER SYNDROME, TYPE I. Last evaluated: 1993-01-01. Review status: no assertion criteria provided. Collection method: literature only. Allele origin: germline. Not counted in ClinVar's aggregate classification.

Literature cited by the submitters: PubMed 20179744 (cited by Labcorp Genetics (formerly Invitae), Labcorp); PubMed 8434604 (cited by Labcorp Genetics (formerly Invitae), Labcorp and OMIM); PubMed 2803268 (cited by OMIM).